The following is an entry in ClinVar:

ClinVar aggregate classification (germline): Likely benign (1 of 4 stars; one submission).

Submission:

CeGaT Center for Human Genetics Tuebingen
Classification: Likely benign. Last evaluated: 2022-04-01. Review status: criteria provided, single submitter. Criteria: CeGaT Center For Human Genetics Tuebingen Variant Classification Criteria Version 2. Collection method: clinical testing. Allele origin: germline. Affected: yes. Observed: 1 variant allele.
Comment: CNTNAP3B: PM2:Supporting, BP4, BP7

Single allele

Gene: CNTNAP3B (contactin associated protein family member 3B; minus strand). Cytogenetic location: 9p11.2.
Variant type: single nucleotide variant.
Identifiers: ClinVar variation 2659221 (VCV002659221.19), dbSNP rs1556196179, ClinGen allele CA464913820.